The following is an entry in ClinVar:

ClinVar aggregate classification (germline): Conflicting classifications of pathogenicity. Review status: criteria provided, conflicting classifications (1 of 4 stars). 16 submissions from 16 submitters: Uncertain significance (4); Benign (1); Likely benign (9). 2 of the submissions do not count toward it. Last evaluated 2026-02-04.

Conditions:
Renal cell carcinoma. Identifiers: Orphanet 217071, MedGen C0007134, MeSH D002292, MONDO:0005086, HP:0005584.
MET-related disorder. Also called: MET-related condition.
Hereditary cancer. Identifiers: MedGen C1333600.
Hereditary cancer-predisposing syndrome. Also called: Hereditary neoplastic syndrome; Tumor predisposition; Neoplastic Syndromes, Hereditary; Hereditary Cancer Syndrome. Identifiers: Orphanet 140162, MedGen C0027672, MeSH D009386, MONDO:0015356.
Autosomal recessive nonsyndromic hearing loss 97. Also called: Deafness, autosomal recessive 97. Identifiers: Orphanet 90636, MedGen C4084709, MONDO:0014739, OMIM 616705.
Papillary renal cell carcinoma type 1 (RCCP1). Also called: RENAL CELL CARCINOMA, PAPILLARY, 1, SOMATIC; Renal adenocarcinoma; Renal cell carcinoma 1; Renal cell carcinoma, somatic. Identifiers: Orphanet 47044, MedGen C1336839, OMIM 605074, HP:0011797.

Allele frequency attached by ClinVar (database versions not stated): 1000 Genomes Project 30x 0.00031; 1000 Genomes Project 0.00040; ExAC 0.00046; gnomAD 0.00068 and 0.00069; TOPMed 0.00071; ESP Exome Variant Server 0.00107.

Submissions (16):

Labcorp Genetics (formerly Invitae), Labcorp
Classification: Likely benign for Renal cell carcinoma. Last evaluated: 2026-02-04. Review status: criteria provided, single submitter. Criteria: Invitae Variant Classification Sherloc (09022015). Collection method: clinical testing. Allele origin: germline.

GeneDx
Classification: Uncertain significance. Last evaluated: 2025-08-19. Review status: criteria provided, single submitter. Criteria: GeneDx Variant Classification Process June 2021. Collection method: clinical testing. Allele origin: germline. Affected: yes.
Comment: Published functional studies demonstrate the variant to have similar hepatocyte growth factor ligand binding as the wild type protein (PMID: 19723643); In silico analysis supports that this missense variant has a deleterious effect on protein structure/function; This variant is associated with the following publications: (PMID: 24728327, 26681766, 33420229, 24465403, 20139696, 25801821, 24983367, 24082139, 21904579, 28873162, 24755471, 35441217, 35980532, 19723643)

Quest Diagnostics Nichols Institute San Juan Capistrano
Classification: Likely benign. Last evaluated: 2025-04-29. Review status: criteria provided, single submitter. Criteria: Quest Diagnostics criteria. Collection method: clinical testing. Allele origin: unknown.

Laboratory of Genetics, Children's Clinical University Hospital Latvia
Classification: Likely benign. Last evaluated: 2025-02-16. Review status: criteria provided, single submitter. Criteria: ACMG Guidelines, 2015. Collection method: clinical testing. Allele origin: germline. Affected: yes.

Myriad Genetics, Inc.
Classification: Likely benign for Papillary renal cell carcinoma type 1. Last evaluated: 2024-11-07. Review status: criteria provided, single submitter. Criteria: Myriad Autosomal Dominant, Autosomal Recessive and X-Linked Classification Criteria (2023). Collection method: clinical testing. Allele origin: unknown.
Comment: This variant is considered likely benign. This variant has been observed at a population frequency that is significantly greater than expected given the associated disease prevalence and penetrance.

Blueprint Genetics
Classification: Likely benign. Last evaluated: 2024-09-24. Review status: criteria provided, single submitter. Criteria: ACMG Guidelines, 2015. Collection method: clinical testing. Allele origin: germline.

Center for Genomic Medicine, Rigshospitalet, Copenhagen University Hospital
Classification: Uncertain significance. Last evaluated: 2024-07-31. Review status: criteria provided, single submitter. Criteria: ACMG Guidelines, 2015. Collection method: clinical testing. Allele origin: germline.

Mendelics
Classification: Likely benign for Hereditary cancer. Last evaluated: 2024-01-23. Review status: criteria provided, single submitter. Criteria: ACMG Guidelines, 2015. Collection method: clinical testing. Allele origin: unknown.

Baylor Genetics
Classification: Uncertain significance for Autosomal recessive nonsyndromic hearing loss 97. Last evaluated: 2023-10-20. Review status: criteria provided, single submitter. Criteria: ACMG Guidelines, 2015. Collection method: clinical testing. Allele origin: unknown.

Institute for Clinical Genetics, University Hospital TU Dresden, University Hospital TU Dresden
Classification: Uncertain significance. Last evaluated: 2021-11-03. Review status: criteria provided, single submitter. Criteria: ACMG Guidelines, 2015. Collection method: clinical testing. Allele origin: germline.

Sema4
Classification: Likely benign for Hereditary cancer-predisposing syndrome. Last evaluated: 2021-06-28. Review status: criteria provided, single submitter. Criteria: Sema4 Curation Guidelines. Collection method: curation. Allele origin: germline.

Genetic Services Laboratory, University of Chicago
Classification: Likely benign. Last evaluated: 2021-03-06. Review status: criteria provided, single submitter. Criteria: ACMG Guidelines, 2015. Collection method: clinical testing. Allele origin: germline. Affected: no.

Ambry Genetics
Classification: Likely benign for Hereditary cancer-predisposing syndrome. Last evaluated: 2018-10-05. Review status: criteria provided, single submitter. Criteria: Ambry Variant Classification Scheme 2023. Collection method: clinical testing. Allele origin: germline.

Illumina Laboratory Services, Illumina
Classification: Benign for Papillary renal cell carcinoma type 1. Last evaluated: 2018-01-13. Review status: criteria provided, single submitter. Criteria: ICSL Variant Classification Criteria 13 December 2019. Collection method: clinical testing. Allele origin: germline.
Comment: This variant was observed in the ICSL laboratory as part of a predisposition screen in an ostensibly healthy population. It had not been previously curated by ICSL or reported in the Human Gene Mutation Database (HGMD: prior to June 1st, 2018), and was therefore a candidate for classification through an automated scoring system. Utilizing variant allele frequency, disease prevalence and penetrance estimates, and inheritance mode, an automated score was calculated to assess if this variant is too frequent to cause the disease. Based on the score and internal cut-off values, a variant classified as benign is not then subjected to further curation. The score for this variant resulted in a classification of benign for this disease.

PreventionGenetics, part of Exact Sciences
Classification: Likely benign for MET-related condition. Last evaluated: 2019-09-25. Review status: no assertion criteria provided. Collection method: clinical testing. Allele origin: germline. Not counted in ClinVar's aggregate classification.
Comment: This variant is classified as likely benign based on ACMG/AMP sequence variant interpretation guidelines (Richards et al. 2015 PMID: 25741868, with internal and published modifications).

ITMI
No classification provided. Condition: AllHighlyPenetrant. Last evaluated: 2013-09-19. Review status: no classification provided. Collection method: reference population. Allele origin: germline. Not counted in ClinVar's aggregate classification.
Comment: Please see associated publication for description of ethnicities

Literature cited by the submitters: PubMed 24728327 (cited by Sema4 and ITMI).

NM_000245.4(MET):c.1039G>A (p.Ala347Thr)

Gene: MET (MET proto-oncogene, receptor tyrosine kinase; plus strand). Cytogenetic location: 7q31.2.
Variant type: single nucleotide variant.
Coding change: c.1039G>A on transcript NM_000245.4 (MANE Select); coding-DNA position 1039, G replaced by A.
Protein change: p.Ala347Thr; replaces alanine 347 with threonine.
Molecular consequence: missense variant. On other transcripts: intron variant (1).
Genome position (GRCh38, 1-based): chr7:116,700,123, G>A. VCF-style: chr7-116700123-G-A. GRCh37 (hg19) VCF-style: chr7-116340177-G-A.
Other names: c.1039G>A, p.Ala347Thr (NM_001127500.3, NM_001324401.3); c.-91+27546G>A (NM_001324402.2); short protein forms A347T.
Identifiers: ClinVar variation 132694 (VCV000132694.50), dbSNP rs200074800, ClinGen allele CA160433.